The following is an entry in ClinVar:

ClinVar aggregate classification (germline): Likely pathogenic (1 of 4 stars; one submission).

Conditions:
Mitochondrial pyruvate carrier deficiency (MPYCD). Identifiers: Orphanet 447784, MedGen C3553607, MONDO:0013877, OMIM 614741.

Submission:

Kuwait Medical Genetics Centre, Kuwait Ministry of Health
Classification: Likely pathogenic for Mitochondrial pyruvate carrier deficiency. Last evaluated: 2021-09-02. Review status: criteria provided, single submitter. Criteria: ACMG Guidelines, 2015. Collection method: research. Allele origin: germline, not applicable. Inheritance: Autosomal recessive inheritance. Affected: yes and no. Observed: 5 variant alleles, 2 heterozygotes, 3 homozygotes. Functional consequence: effect on protein abundance.
Comment: The c.109C>T ; p.Pro37Ser is a novel MPC1 variant that segregates in a family where the patients are siblings born to consanguineous parents and the patients presented with global developmental delay, hypotonia, lactic acidosis, gastro-esophageal reflux and have mild facial dysmorphic features. Western blotting of patient fibroblasts showed a decrease in the expression of the MPC1 protein in homozygous patient compared to age-matched controls. Mutations in MPC1 are associated with mitochondrial pyruvate carrier 1 deficiency and has been reported in a number of patients that harbor bi-allelic pathogenic MPC1 variants (Bricker et al., 2012).

Literature cited by the submitters: PubMed 22628558.

NM_016098.4(MPC1):c.109C>T (p.Pro37Ser)

Gene: MPC1 (mitochondrial pyruvate carrier 1; minus strand). Cytogenetic location: 6q27.
Variant type: single nucleotide variant.
Coding change: c.109C>T on transcript NM_016098.4 (MANE Select); coding-DNA position 109, C replaced by T.
Protein change: p.Pro37Ser; replaces proline 37 with serine.
Molecular consequence: missense variant. On other transcripts: 5 prime UTR variant (5), non-coding transcript variant (5).
Genome position (GRCh38, 1-based): chr6:166,366,858, G>A on the plus strand (C>T on the coding strand, the complement: MPC1 is on the minus strand). VCF-style: chr6-166366858-G-A. GRCh37 (hg19) VCF-style: chr6-166780346-G-A.
Other names: c.-21C>T (NM_001270879.2, NM_001376565.1, NM_001376566.1 and 2 more transcripts); c.109C>T, p.Pro37Ser (NM_001376569.1); short protein forms P37S.
Identifiers: ClinVar variation 1299296 (VCV001299296.4), dbSNP rs2114943862, ClinGen allele CA366398939.
Genomic context (GRCh38, chr6:166,366,858, plus strand): 5'-ATGTCATCCGCCCACTGATAATCTCTGGAGACTTTTTCATATCATTGATGGCAGCAATGG[G>A]AAGACCCCAGTTGGCTACTGGGCCCCAGAAGTGCTACAAAAAATGAGAGGAAAAGAATGA-3'
Protein context (NP_057182.1, residues 27-47): FWGPVANWGL[Pro37Ser]IAAINDMKKS